The following is an entry in ClinVar:

NM_018117.12(WDR11):c.3133C>G (p.Pro1045Ala)

Gene: WDR11 (WD repeat domain 11; plus strand). Cytogenetic location: 10q26.12.
Variant type: single nucleotide variant.
Coding change: c.3133C>G on transcript NM_018117.12 (MANE Select); coding-DNA position 3133, C replaced by G.
Protein change: p.Pro1045Ala; replaces proline 1045 with alanine.
Molecular consequence: missense variant.
Genome position (GRCh38, 1-based): chr10:120,904,751, C>G. VCF-style: chr10-120904751-C-G. GRCh37 (hg19) VCF-style: chr10-122664263-C-G.
Other names: short protein forms P1045A.
Identifiers: ClinVar variation 4823602 (VCV004823602.4).

ClinVar aggregate classification (germline): Uncertain significance (1 of 4 stars; one submission).

Submission:

CeGaT Center for Human Genetics Tuebingen
Classification: Uncertain significance. Last evaluated: 2026-03-01. Review status: criteria provided, single submitter. Criteria: CeGaT Center For Human Genetics Tuebingen Variant Classification Criteria Version 2. Collection method: clinical testing. Allele origin: germline. Affected: yes. Observed: 1 variant allele.
Comment: WDR11: PM2, PP3